The following is an entry in ClinVar:

ClinVar aggregate classification (germline): Uncertain significance (1 of 4 stars; one submission).

gnomAD v4.1: 4 of 1,604,798 alleles (0.00025%); highest among the groups gnomAD compares: Non-Finnish European, 0.00034%; no homozygotes.

Submission:

Labcorp Genetics (formerly Invitae), Labcorp
Classification: Uncertain significance. Last evaluated: 2025-07-30. Review status: criteria provided, single submitter. Criteria: Invitae Variant Classification Sherloc (09022015). Collection method: clinical testing. Allele origin: germline.
Comment: This sequence change replaces alanine, which is neutral and non-polar, with valine, which is neutral and non-polar, at codon 29 of the SETBP1 protein (p.Ala29Val). This variant is not present in population databases (gnomAD no frequency). This variant has not been reported in the literature in individuals affected with SETBP1-related conditions. ClinVar contains an entry for this variant (Variation ID: 1501041). An algorithm developed to predict the effect of missense changes on protein structure and function (PolyPhen-2) suggests that this variant is likely to be tolerated. In summary, the available evidence is currently insufficient to determine the role of this variant in disease. Therefore, it has been classified as a Variant of Uncertain Significance.

NM_015559.3(SETBP1):c.86C>T (p.Ala29Val)

Gene: SETBP1 (SET binding protein 1; plus strand). Cytogenetic location: 18q12.3.
Variant type: single nucleotide variant.
Coding change: c.86C>T on transcript NM_015559.3 (MANE Select); coding-DNA position 86, C replaced by T.
Protein change: p.Ala29Val; replaces alanine 29 with valine.
Molecular consequence: missense variant.
Genome position (GRCh38, 1-based): chr18:44,701,432, C>T. VCF-style: chr18-44701432-C-T. GRCh37 (hg19) VCF-style: chr18-42281397-C-T.
Other names: c.86C>T, p.Ala29Val (NM_001130110.2, NM_001379141.1, NM_001379142.1); short protein forms A29V.
Identifiers: ClinVar variation 1501041 (VCV001501041.8), dbSNP rs1292543210, ClinGen allele CA402481408.